The following is an entry in ClinVar:

ClinVar aggregate classification (germline): Uncertain significance. Review status: criteria provided, multiple submitters, no conflicts (2 of 4 stars). 5 submissions from 5 submitters: Uncertain significance (5). Last evaluated 2026-01-17.

Allele frequency attached by ClinVar (database versions not stated): ExAC 0.00007; gnomAD exomes 0.00007; ESP Exome Variant Server 0.00008; TOPMed 0.00008; gnomAD 0.00010 and 0.00011; 1000 Genomes Project 0.00040; 1000 Genomes Project 30x 0.00062.
gnomAD v4.1: 233 of 1,612,956 alleles (0.014%); highest among the groups gnomAD compares: East Asian, 0.027%; no homozygotes.

Submissions (5):

Labcorp Genetics (formerly Invitae), Labcorp
Classification: Uncertain significance. Last evaluated: 2026-01-17. Review status: criteria provided, single submitter. Criteria: Invitae Variant Classification Sherloc (09022015). Collection method: clinical testing. Allele origin: germline.
Comment: This sequence change replaces isoleucine, which is neutral and non-polar, with threonine, which is neutral and polar, at codon 512 of the DNM1L protein (p.Ile512Thr). This variant is present in population databases (rs148686457, gnomAD 0.03%). This missense change has been observed in individual(s) with encephalopathy (PMID: 30801875). ClinVar contains an entry for this variant (Variation ID: 387360). An algorithm developed to predict the effect of missense changes on protein structure and function (PolyPhen-2) suggests that this variant is likely to be tolerated. In summary, the available evidence is currently insufficient to determine the role of this variant in disease. Therefore, it has been classified as a Variant of Uncertain Significance.

Revvity Omics, Revvity
Classification: Uncertain significance. Last evaluated: 2025-01-23. Review status: criteria provided, single submitter. Criteria: ACMG Guidelines, 2015. Collection method: clinical testing. Allele origin: germline.

Blueprint Genetics
Classification: Uncertain significance. Last evaluated: 2024-05-22. Review status: criteria provided, single submitter. Criteria: ACMG Guidelines, 2015. Collection method: clinical testing. Allele origin: germline.

GeneDx
Classification: Uncertain significance. Last evaluated: 2021-02-01. Review status: criteria provided, single submitter. Criteria: GeneDx Variant Classification Process June 2021. Collection method: clinical testing. Allele origin: germline. Affected: yes.
Comment: Reported previously as heterozygous in an individual with early-onset encephalopathy who was also heterozygous for a G362D variant in DNM1L located on the same allele (in cis); the variants were also present in the unaffected mother (Verrigni et al., 2019); In silico analysis supports that this missense variant does not alter protein structure/function; This variant is associated with the following publications: (PMID: 30801875)

Breakthrough Genomics
Classification: Uncertain significance. Review status: criteria provided, single submitter. Criteria: ACMG Guidelines, 2015. Collection method: not provided. Allele origin: germline. Inheritance: Autosomal recessive inheritance. Affected: yes.

Literature cited by the submitters: PubMed 30801875 (cited by Labcorp Genetics (formerly Invitae), Labcorp).

NM_012062.5(DNM1L):c.1535T>C (p.Ile512Thr)

Gene: DNM1L (dynamin 1L; plus strand). Cytogenetic location: 12p11.21.
Variant type: single nucleotide variant.
Coding change: c.1535T>C on transcript NM_012062.5 (MANE Select); coding-DNA position 1535, T replaced by C.
Protein change: p.Ile512Thr; replaces isoleucine 512 with threonine.
Molecular consequence: missense variant.
Genome position (GRCh38, 1-based): chr12:32,733,803, T>C. VCF-style: chr12-32733803-T-C. GRCh37 (hg19) VCF-style: chr12-32886737-T-C.
Other names: c.1535T>C, p.Ile512Thr (NM_001278463.2, NM_005690.5, NM_012063.4); c.1574T>C, p.Ile525Thr (NM_001278464.2, NM_001278465.2, NM_001330380.2); c.926T>C, p.Ile309Thr (NM_001278466.2); short protein forms I512T, I309T, I525T.
Identifiers: ClinVar variation 387360 (VCV000387360.12), dbSNP rs148686457, ClinGen allele CA6507569.